The following is an entry in ClinVar:

NM_000277.3(PAH):c.441+3G>C

Gene: PAH (phenylalanine hydroxylase; minus strand). Cytogenetic location: 12q23.2.
Variant type: single nucleotide variant.
Coding change: c.441+3G>C on transcript NM_000277.3 (MANE Select); 3 bases into the intron after coding-DNA position 441, G replaced by C.
Molecular consequence: intron variant.
Genome position (GRCh38, 1-based): chr12:102,877,459, C>G on the plus strand (G>C on the coding strand, the complement: PAH is on the minus strand). VCF-style: chr12-102877459-C-G. GRCh37 (hg19) VCF-style: chr12-103271237-C-G.
Other names: c.441+3G>C (NM_001354304.2).
Identifiers: ClinVar variation 102672 (VCV000102672.5), dbSNP rs62508642, ClinGen allele CA229546.
Genomic context (GRCh38, chr12:102,877,459, plus strand): 5'-AGGAAGGGAGGGGAGTGGAGGAGAGGCACTGAAAAAATCTCATCCTACGGGCCATGGACT[C>G]ACAGGGTGGTCAGCATCCAGTTCCGCTCCATAGCTGAGAATCTGATTGGCAAATCTGTCC-3'

ClinVar aggregate classification (germline): Pathogenic. Review status: reviewed by expert panel (3 of 4 stars). 3 submissions from 3 submitters: Pathogenic (1). 2 of the submissions do not count toward it. Last evaluated 2019-10-18.

Conditions:
Phenylketonuria (PKU). Also called: Phenylketonuria (PKU); FOLLING DISEASE; OLIGOPHRENIA PHENYLPYRUVICA; Phenylketonurias. Identifiers: Orphanet 716, MedGen C0031485, MONDO:0009861, OMIM 261600. Disease mechanism: loss of function.

Submissions (3):

ClinGen PAH Variant Curation Expert Panel
Classification: Pathogenic for Phenylketonuria. Last evaluated: 2019-10-18. Review status: reviewed by expert panel. Criteria: ClinGen PAH ACMG Specifications v1. Collection method: curation. Allele origin: germline. Inheritance: Autosomal recessive inheritance.
Comment: This c.441+3G>C (IVS4+3G>C) variant was documented at least 7 times in patients with PAH deficiency with a pathogenic or likely pathogenic variant in trans (PMID: 28982351, 5894915, 30050108). This variant was also documented in two patients homozygous for the c.441+3G>C variant, one diagnosed with mild PKU and one diagnosed with classic PKU (PMID: 30050108). This variant was documented 12 times in patients with PAH deficiency; DHPR activity, biopterin and/or pteridine analysis was performed to rule out other causes of hyperphenylalaninemia (PMID: 26503515, 16256386, 23932990). This variant is absent from the population databases ExAC and gnomAD. In summary, this variant meets criteria to be classified as pathogenic for PAH. PAH-specific ACMG/AMP criteria applied: PM3_very strong, PM2, PP4_moderate.

Counsyl
Classification: Likely pathogenic for Phenylketonuria. Last evaluated: 2017-03-15. Review status: no assertion criteria provided. Collection method: clinical testing. Allele origin: unknown. Not counted in ClinVar's aggregate classification.

DeBelle Laboratory for Biochemical Genetics, MUHC/MCH RESEARCH INSTITUTE
No classification provided. Review status: no classification provided. Collection method: not provided. Allele origin: not provided. Not counted in ClinVar's aggregate classification.

Literature cited by the submitters: PubMed 25894915 (cited by ClinGen PAH Variant Curation Expert Panel and Counsyl); PubMed 30050108 (cited by ClinGen PAH Variant Curation Expert Panel); PubMed 23932990 (cited by ClinGen PAH Variant Curation Expert Panel and Counsyl); PubMed 16256386 (cited by ClinGen PAH Variant Curation Expert Panel and Counsyl); PubMed 28982351 (cited by ClinGen PAH Variant Curation Expert Panel); PubMed 26503515 (cited by ClinGen PAH Variant Curation Expert Panel and Counsyl).